The following is an entry in ClinVar:

NM_012144.4(DNAI1):c.1216_1217insA (p.Gly406fs)

Gene: DNAI1 (dynein axonemal intermediate chain 1; plus strand). Cytogenetic location: 9p13.3.
Variant type: Insertion.
Coding change: c.1216_1217insA on transcript NM_012144.4 (MANE Select); coding-DNA positions 1216 to 1217, A inserted.
Protein change: p.Gly406fs; shifts the reading frame from glycine 406.
Molecular consequence: frameshift variant.
Genome position: GRCh38 VCF-style: chr9-34506779-G-GA. GRCh37 (hg19) VCF-style: chr9-34506777-G-GA.
Other names: c.1228_1229insA, p.Gly410fs (NM_001281428.2); short protein forms G406fs, G410fs.
Identifiers: ClinVar variation 5016424 (VCV005016424.1).

ClinVar aggregate classification (germline): Pathogenic (1 of 4 stars; one submission).

Conditions:
Kartagener syndrome (CILD1). Also called: Dextrocardia bronchiectasis and sinusitis; SIEWERT SYNDROME; CILIARY DYSKINESIA, PRIMARY, 1; CILIARY DYSKINESIA, PRIMARY, 1, WITH OR WITHOUT SITUS INVERSUS; IMMOTILE CILIA SYNDROME; POLYNESIAN BRONCHIECTASIS. Identifiers: Orphanet 244, MedGen C4551906, MONDO:0009484, OMIM 244400.

Submission:

Myriad Genetics, Inc.
Classification: Pathogenic for Kartagener syndrome. Last evaluated: 2024-05-14. Review status: criteria provided, single submitter. Criteria: Myriad Autosomal Dominant, Autosomal Recessive and X-Linked Classification Criteria (2023). Collection method: clinical testing. Allele origin: unknown.
Comment: NM_012144.2(DNAI1):c.1216_1217insA(G406Efs*39) is expected to be pathogenic in the context of primary ciliary dyskinesia, DNAI1-related. This variant is predicted to lead to an abnormal or absent protein product due to the creation of a premature termination codon in DNAI1, a gene where loss-of-function variants are known to be pathogenic. Please note: this variant was assessed in the context of healthy population screening.